The following is an entry in ClinVar:

ClinVar aggregate classification (germline): Uncertain significance (1 of 4 stars; one submission).

Submission:

Labcorp Genetics (formerly Invitae), Labcorp
Classification: Uncertain significance. Last evaluated: 2022-09-27. Review status: criteria provided, single submitter. Criteria: Invitae Variant Classification Sherloc (09022015). Collection method: clinical testing. Allele origin: germline.
Comment: In summary, the available evidence is currently insufficient to determine the role of this variant in disease. Therefore, it has been classified as a Variant of Uncertain Significance. This variant has not been reported in the literature in individuals affected with SAMD11-related conditions. This variant results in a copy number gain of the genomic region encompassing exon(s) 2-8 of the SAMD11 gene. This region includes the initiator codon of the gene. This copy number gain extends beyond the assayed region for this gene and therefore may encompass additional genes. As the precise location of this event is unknown, it may be in tandem or it may be located elsewhere in the genome.

NC_000001.10:g.(?_861322)_(876706_?)dup

Gene: SAMD11 (sterile alpha motif domain containing 11; plus strand). Cytogenetic location: 1p36.33.
Variant type: Duplication.
Identifiers: ClinVar variation 1412815 (VCV001412815.5).